The following is an entry in ClinVar:

ClinVar aggregate classification (germline): Uncertain significance (1 of 4 stars; one submission).

Conditions:
Hereditary cancer-predisposing syndrome. Also called: Neoplastic Syndromes, Hereditary; Tumor predisposition; Hereditary Cancer Syndrome; Hereditary neoplastic syndrome. Identifiers: Orphanet 140162, MedGen C0027672, MeSH D009386, MONDO:0015356.

Submission:

Color Diagnostics, LLC DBA Color Health
Classification: Uncertain significance for Hereditary cancer-predisposing syndrome. Last evaluated: 2025-08-24. Review status: criteria provided, single submitter. Criteria: ACMG Guidelines, 2015. Collection method: clinical testing. Allele origin: germline.
Comment: This missense variant replaces phenylalanine with tyrosine at codon 763 of the BARD1 protein. Computational prediction suggests that this variant may not impact protein structure and function. To our knowledge, functional studies have not been reported for this variant. This variant has not been reported in individuals affected with BARD1-related disorders in the literature. This variant has not been identified in the general population by the Genome Aggregation Database (gnomAD). The available evidence is insufficient to determine the role of this variant in disease conclusively. Therefore, this variant is classified as a Variant of Uncertain Significance.

NM_000465.4(BARD1):c.2288T>A (p.Phe763Tyr)

Gene: BARD1 (BRCA1 associated RING domain 1; minus strand). Cytogenetic location: 2q35.
Variant type: single nucleotide variant.
Coding change: c.2288T>A on transcript NM_000465.4 (MANE Select); coding-DNA position 2288, T replaced by A.
Protein change: p.Phe763Tyr; replaces phenylalanine 763 with tyrosine.
Molecular consequence: missense variant. On other transcripts: non-coding transcript variant (3).
Genome position (GRCh38, 1-based): chr2:214,728,722, A>T on the plus strand (T>A on the coding strand, the complement: BARD1 is on the minus strand). VCF-style: chr2-214728722-A-T. GRCh37 (hg19) VCF-style: chr2-215593446-A-T.
Other names: c.2231T>A, p.Phe744Tyr (NM_001282543.2); c.935T>A, p.Phe312Tyr (NM_001282545.2); c.878T>A, p.Phe293Tyr (NM_001282548.2); c.749T>A, p.Phe250Tyr (NM_001282549.2); short protein forms F293Y, F763Y, F312Y, F744Y, F250Y.
Identifiers: ClinVar variation 2774769 (VCV002774769.3), dbSNP rs2105986297, ClinGen allele CA350449878.